The following is an entry in ClinVar:

NM_182746.3(MCM4):c.1075G>A (p.Glu359Lys)

Gene: MCM4 (minichromosome maintenance complex component 4; plus strand). Cytogenetic location: 8q11.21.
Variant type: single nucleotide variant.
Coding change: c.1075G>A on transcript NM_182746.3 (MANE Select); coding-DNA position 1075, G replaced by A.
Protein change: p.Glu359Lys; replaces glutamic acid 359 with lysine.
Molecular consequence: missense variant.
Genome position (GRCh38, 1-based): chr8:47,967,386, G>A. VCF-style: chr8-47967386-G-A. GRCh37 (hg19) VCF-style: chr8-48879946-G-A.
Other names: c.1075G>A, p.Glu359Lys (NM_005914.4); short protein forms E359K.
Identifiers: ClinVar variation 1970285 (VCV001970285.5), dbSNP rs1168723081, ClinGen allele CA371149857.

ClinVar aggregate classification (germline): Uncertain significance (1 of 4 stars; one submission).

gnomAD v4.1: 11 of 1,614,192 alleles (0.00068%); highest among the groups gnomAD compares: South Asian, 0.012%; no homozygotes.

Submission:

Labcorp Genetics (formerly Invitae), Labcorp
Classification: Uncertain significance. Last evaluated: 2025-05-16. Review status: criteria provided, single submitter. Criteria: Invitae Variant Classification Sherloc (09022015). Collection method: clinical testing. Allele origin: germline.
Comment: This sequence change replaces glutamic acid, which is acidic and polar, with lysine, which is basic and polar, at codon 359 of the MCM4 protein (p.Glu359Lys). This variant is present in population databases (no rsID available, gnomAD 0.01%). This variant has not been reported in the literature in individuals affected with MCM4-related conditions. ClinVar contains an entry for this variant (Variation ID: 1970285). Invitae Evidence Modeling of protein sequence and biophysical properties (such as structural, functional, and spatial information, amino acid conservation, physicochemical variation, residue mobility, and thermodynamic stability) indicates that this missense variant is not expected to disrupt MCM4 protein function with a negative predictive value of 80%. In summary, the available evidence is currently insufficient to determine the role of this variant in disease. Therefore, it has been classified as a Variant of Uncertain Significance.